The following is an entry in ClinVar:

NM_015909.4(NBAS):c.6674G>T (p.Arg2225Leu)

Gene: NBAS (NBAS subunit of NRZ tethering complex; minus strand). Cytogenetic location: 2p24.3.
Variant type: single nucleotide variant.
Coding change: c.6674G>T on transcript NM_015909.4 (MANE Select); coding-DNA position 6674, G replaced by T.
Protein change: p.Arg2225Leu; replaces arginine 2225 with leucine.
Molecular consequence: missense variant. On other transcripts: non-coding transcript variant (1).
Genome position (GRCh38, 1-based): chr2:15,186,779, C>A on the plus strand (G>T on the coding strand, the complement: NBAS is on the minus strand). VCF-style: chr2-15186779-C-A. GRCh37 (hg19) VCF-style: chr2-15326903-C-A.
Other names: short protein forms R2225L.
Identifiers: ClinVar variation 2115744 (VCV002115744.4), dbSNP rs147531897, ClinGen allele CA345918679.

ClinVar aggregate classification (germline): Uncertain significance (1 of 4 stars; one submission).

gnomAD v4.1: 1 of 1,613,740 alleles (0.000062%); highest among the groups gnomAD compares: Admixed American, 0.0017%; no homozygotes.

Submission:

Labcorp Genetics (formerly Invitae), Labcorp
Classification: Uncertain significance. Last evaluated: 2024-11-02. Review status: criteria provided, single submitter. Criteria: Invitae Variant Classification Sherloc (09022015). Collection method: clinical testing. Allele origin: germline.
Comment: This sequence change replaces arginine, which is basic and polar, with leucine, which is neutral and non-polar, at codon 2225 of the NBAS protein (p.Arg2225Leu). This variant is present in population databases (no rsID available, gnomAD 0.003%). This variant has not been reported in the literature in individuals affected with NBAS-related conditions. ClinVar contains an entry for this variant (Variation ID: 2115744). Invitae Evidence Modeling of protein sequence and biophysical properties (such as structural, functional, and spatial information, amino acid conservation, physicochemical variation, residue mobility, and thermodynamic stability) has been performed for this missense variant. However, the output from this modeling did not meet the statistical confidence thresholds required to predict the impact of this variant on NBAS protein function. Algorithms developed to predict the effect of sequence changes on RNA splicing suggest that this variant may disrupt the consensus splice site. In summary, the available evidence is currently insufficient to determine the role of this variant in disease. Therefore, it has been classified as a Variant of Uncertain Significance.